The following is an entry in ClinVar:

ClinVar aggregate classification (germline): Likely benign (1 of 4 stars; one submission).

gnomAD v4.1: 2 of 1,610,052 alleles (0.00012%); highest among the groups gnomAD compares: Non-Finnish European, 0.00017%; no homozygotes.

Submission:

CeGaT Center for Human Genetics Tuebingen
Classification: Likely benign. Last evaluated: 2025-10-01. Review status: criteria provided, single submitter. Criteria: CeGaT Center For Human Genetics Tuebingen Variant Classification Criteria Version 2. Collection method: clinical testing. Allele origin: germline. Affected: yes. Observed: 1 variant allele.
Comment: FOXC1: BP4, BP7

NM_001453.3(FOXC1):c.162G>A (p.Glu54=)

Gene: FOXC1 (forkhead box C1; plus strand). Cytogenetic location: 6p25.3.
Variant type: single nucleotide variant.
Coding change: c.162G>A on transcript NM_001453.3 (MANE Select); coding-DNA position 162, G replaced by A.
Protein change: p.Glu54=; no amino-acid change (glutamic acid 54 retained).
Molecular consequence: synonymous variant.
Genome position (GRCh38, 1-based): chr6:1,610,607, G>A. VCF-style: chr6-1610607-G-A. GRCh37 (hg19) VCF-style: chr6-1610842-G-A.
Identifiers: ClinVar variation 4534419 (VCV004534419.6).